The following is an entry in ClinVar:

ClinVar aggregate classification (germline): Uncertain significance (1 of 4 stars; one submission).

Allele frequency attached by ClinVar (database versions not stated): gnomAD exomes below 0.00001.
gnomAD v4.1: 1 of 1,613,454 alleles (0.000062%); highest among the groups gnomAD compares: Non-Finnish European, 0.000085%; no homozygotes.

Submission:

CeGaT Center for Human Genetics Tuebingen
Classification: Uncertain significance. Last evaluated: 2022-05-01. Review status: criteria provided, single submitter. Criteria: CeGaT Center For Human Genetics Tuebingen Variant Classification Criteria Version 2. Collection method: clinical testing. Allele origin: germline. Affected: yes. Observed: 1 variant allele.
Comment: ZFYVE27: PM2, BP5

NM_001385875.1(ZFYVE27):c.269-2A>G

Gene: ZFYVE27 (zinc finger FYVE-type containing 27; plus strand). Cytogenetic location: 10q24.2.
Variant type: single nucleotide variant.
Coding change: c.269-2A>G on transcript NM_001385875.1 (MANE Select); the canonical splice acceptor site of the intron before coding-DNA position 269, A replaced by G.
Molecular consequence: splice acceptor variant. On other transcripts: intron variant (10).
Genome position (GRCh38, 1-based): chr10:97,744,727, A>G. VCF-style: chr10-97744727-A-G. GRCh37 (hg19) VCF-style: chr10-99504484-A-G.
Other names: c.173-2A>G (NM_001174119.2, NM_001385885.1, NM_001385887.1 and 1 more transcripts); c.65-2A>G (NM_001385891.1, NM_001385894.1, NM_001385892.1 and 6 more transcripts); c.-26-2A>G (NM_001174121.2, NM_001385915.1); c.269-2A>G (NM_001385882.1, NM_001385884.1, NM_001385883.1 and 10 more transcripts); c.32-2A>G (NM_001385900.1, NM_001385905.1, NM_001385916.1 and 3 more transcripts); c.198-3542A>G (NM_001385901.1, NM_001385911.1, NM_001385906.1 and 3 more transcripts); c.198-4747A>G (NM_001385918.1, NM_001174122.2); c.32-5604A>G (NM_001385919.1); and 2 more.
Identifiers: ClinVar variation 2640740 (VCV002640740.24), dbSNP rs2540471223, ClinGen allele CA377996463.
Genomic context (GRCh38, chr10:97,744,727, plus strand): 5'-TGGGTGGGCCGACTCCTGGTCTTTGCTTACCTGTGTTACCTGCAGTGTTTTTGATTCTGC[A>G]GGTGCATGGTACTCAGTAGGTGCCCTGATGATTTCAGTGCCCGCCCTGCTGGGCTACCTT-3'